The following is an entry in ClinVar:

NM_000038.6(APC):c.816A>G (p.Ala272=)

Gene: APC (APC regulator of Wnt signaling pathway; plus strand). Cytogenetic location: 5q22.2.
Variant type: single nucleotide variant.
Coding change: c.816A>G on transcript NM_000038.6 (MANE Select); coding-DNA position 816, A replaced by G.
Protein change: p.Ala272=; no amino-acid change (alanine 272 retained).
Molecular consequence: synonymous variant. On other transcripts: 5 prime UTR variant (4), non-coding transcript variant (2).
Genome position (GRCh38, 1-based): chr5:112,801,365, A>G. VCF-style: chr5-112801365-A-G. GRCh37 (hg19) VCF-style: chr5-112137062-A-G.
Other names: c.816A>G, p.Ala272= (NM_001127510.3, NM_001354895.2, NM_001354896.2 and 12 more transcripts); c.762A>G, p.Ala254= (NM_001127511.3); c.846A>G, p.Ala282= (NM_001354897.2, NM_001354902.2, NM_001407446.1); c.741A>G, p.Ala247= (NM_001354898.2, NM_001354904.2, NM_001407451.1); c.732A>G, p.Ala244= (NM_001354899.2, NM_001407452.1, NM_001407467.1 and 1 more transcripts); c.639A>G, p.Ala213= (NM_001354900.2, NM_001354901.2, NM_001354905.2 and 1 more transcripts); c.-220A>G (NM_001354906.2, NM_001407470.1, NM_001407471.1 and 1 more transcripts).
Identifiers: ClinVar variation 3148773 (VCV003148773.1), dbSNP rs2532756043, ClinGen allele CA445755646.

ClinVar aggregate classification (germline): Benign (1 of 4 stars; one submission).

Conditions:
Familial adenomatous polyposis 1 (FAP1). Also called: POLYPOSIS, ADENOMATOUS INTESTINAL; FAMILIAL ADENOMATOUS POLYPOSIS 1, ATTENUATED. Identifiers: MedGen C2713442, MONDO:0021056, OMIM 175100. Disease mechanism: loss of function.

Submission:

Myriad Genetics, Inc.
Classification: Benign for Familial adenomatous polyposis 1. Last evaluated: 2024-02-27. Review status: criteria provided, single submitter. Criteria: Myriad Autosomal Dominant, Autosomal Recessive and X-Linked Classification Criteria (2023). Collection method: clinical testing. Allele origin: unknown.
Comment: This variant is considered benign. This variant is a silent/synonymous amino acid change and it is not expected to impact splicing.